The following is an entry in ClinVar:

ClinVar aggregate classification (germline): Uncertain significance. Review status: criteria provided, multiple submitters, no conflicts (2 of 4 stars). 2 submissions from 2 submitters: Uncertain significance (2). Last evaluated 2025-08-28.

Conditions:
Familial adenomatous polyposis 1 (FAP1). Also called: FAMILIAL ADENOMATOUS POLYPOSIS 1, ATTENUATED; POLYPOSIS, ADENOMATOUS INTESTINAL. Identifiers: MedGen C2713442, MONDO:0021056, OMIM 175100. Disease mechanism: loss of function.
Hereditary cancer-predisposing syndrome. Also called: Neoplastic Syndromes, Hereditary; Tumor predisposition; Hereditary Cancer Syndrome; Hereditary neoplastic syndrome. Identifiers: Orphanet 140162, MedGen C0027672, MeSH D009386, MONDO:0015356.

Submissions (2):

Labcorp Genetics (formerly Invitae), Labcorp
Classification: Uncertain significance for Familial adenomatous polyposis 1. Last evaluated: 2025-08-28. Review status: criteria provided, single submitter. Criteria: Invitae Variant Classification Sherloc (09022015). Collection method: clinical testing. Allele origin: germline.
Comment: This sequence change replaces aspartic acid, which is acidic and polar, with histidine, which is basic and polar, at codon 1869 of the APC protein (p.Asp1869His). This variant is not present in population databases (gnomAD no frequency). This variant has not been reported in the literature in individuals affected with APC-related conditions. ClinVar contains an entry for this variant (Variation ID: 3412382). Invitae Evidence Modeling of protein sequence and biophysical properties (such as structural, functional, and spatial information, amino acid conservation, physicochemical variation, residue mobility, and thermodynamic stability) indicates that this missense variant is not expected to disrupt APC protein function with a negative predictive value of 95%. In summary, the available evidence is currently insufficient to determine the role of this variant in disease. Therefore, it has been classified as a Variant of Uncertain Significance.

Ambry Genetics
Classification: Uncertain significance for Hereditary cancer-predisposing syndrome. Last evaluated: 2024-11-17. Review status: criteria provided, single submitter. Criteria: Ambry Variant Classification Scheme 2023. Collection method: clinical testing. Allele origin: germline.
Comment: The p.D1869H variant (also known as c.5605G>C), located in coding exon 15 of the APC gene, results from a G to C substitution at nucleotide position 5605. The aspartic acid at codon 1869 is replaced by histidine, an amino acid with similar properties. This amino acid position is conserved. In addition, in silico predictors for this gene do not accurately predict pathogenicity. Based on the available evidence, the clinical significance of this variant remains unclear.

NM_000038.6(APC):c.5605G>C (p.Asp1869His)

Gene: APC (APC regulator of Wnt signaling pathway; plus strand). Cytogenetic location: 5q22.2.
Variant type: single nucleotide variant.
Coding change: c.5605G>C on transcript NM_000038.6 (MANE Select); coding-DNA position 5605, G replaced by C.
Protein change: p.Asp1869His; replaces aspartic acid 1869 with histidine.
Molecular consequence: missense variant. On other transcripts: non-coding transcript variant (2).
Genome position (GRCh38, 1-based): chr5:112,841,199, G>C. VCF-style: chr5-112841199-G-C. GRCh37 (hg19) VCF-style: chr5-112176896-G-C.
Other names: c.5605G>C, p.Asp1869His (NM_001127510.3, NM_001354895.2, NM_001407450.1); c.5551G>C, p.Asp1851His (NM_001127511.3); c.5659G>C, p.Asp1887His (NM_001354896.2, NM_001407447.1, NM_001407448.1 and 1 more transcripts); c.5635G>C, p.Asp1879His (NM_001354897.2); c.5530G>C, p.Asp1844His (NM_001354898.2); c.5521G>C, p.Asp1841His (NM_001354899.2); c.5482G>C, p.Asp1828His (NM_001354900.2); c.5428G>C, p.Asp1810His (NM_001354901.2, NM_001407453.1); and 11 more; short protein forms D1778H, D1786H, D1851H, D1897H, D1768H, D1841H, D1844H, D1859H.
Identifiers: ClinVar variation 3412382 (VCV003412382.3).